The following is an entry in ClinVar:

ClinVar aggregate classification (germline): Pathogenic/Likely pathogenic. Review status: criteria provided, multiple submitters, no conflicts (2 of 4 stars). 4 submissions from 4 submitters: Pathogenic (1); Likely pathogenic (3). Last evaluated 2024-09-13.

Conditions:
Mucopolysaccharidosis, MPS-IV-B (MPS4B). Also called: Mucopolysaccharidosis type IV B; Mucopolysaccharidosis Type IVB; Mucopolysaccharidosis type 4B; Mucopolysaccharidosis type IVB (Morquio); MPS IVB; MORQUIO SYNDROME B. Identifiers: Orphanet 309310, Orphanet 582, MedGen C0086652, MONDO:0009660, OMIM 253010.
GM1 gangliosidosis. Identifiers: Orphanet 354, MedGen C0085131, MONDO:0018149.

Allele frequency attached by ClinVar (database versions not stated): TOPMed below 0.00001; ExAC 0.00001; gnomAD 0.00001; 1000 Genomes Project 30x 0.00016; 1000 Genomes Project 0.00020.
gnomAD v4.1: 2 of 1,614,020 alleles (0.00012%); highest among the groups gnomAD compares: Admixed American, 0.0033%; no homozygotes.

Submissions (4):

Natera, Inc.
Classification: Likely pathogenic for Mucopolysaccharidosis, MPS-IV-B. Last evaluated: 2024-09-13. Review status: criteria provided, single submitter. Criteria: Natera Variant Classification Schema (03/2026). Collection method: clinical testing. Allele origin: germline.
Comment: The c.1258A>C variant in GLB1 is a missense variant predicted to cause substitution of threonine to proline at amino acid 420. This variant is rare in the general population with a frequency below the threshold expected for the associated phenotype(s). This variant has been observed in one or more individuals affected with the associated recessive disease, as either homozygous or compound heterozygous with a second variant (PMID: 16941474). Functional studies show that this variant may disrupt protein function (PMID: 23337983, 17664528). Computational prediction algorithms indicate this variant is likely to affect gene or protein function. Given the available evidence, this variant is classified as Likely Pathogenic.

Women's Health and Genetics/Laboratory Corporation of America, LabCorp
Classification: Likely pathogenic for Mucopolysaccharidosis, MPS-IV-B. Last evaluated: 2024-08-06. Review status: criteria provided, single submitter. Criteria: LabCorp Variant Classification Summary - May 2015. Collection method: clinical testing. Allele origin: germline.
Comment: Variant summary: GLB1 c.1258A>C (p.Thr420Pro) results in a non-conservative amino acid change located in the Beta-galactosidase 1-like , first all-beta domain (IPR048912) of the encoded protein sequence. Five of five in-silico tools predict a damaging effect of the variant on protein function. The variant was absent in 249584 control chromosomes. c.1258A>C has been reported in the literature in at-least one individual affected with Mucopolysaccharidosis Type IVB (Morquio Syndrome B) (example: Santamaria_2006). At least one publication reports experimental evidence evaluating an impact on protein function. The most pronounced variant effect results in <10% of normal activity (example: Santamaria_2007). The following publications have been ascertained in the context of this evaluation (PMID: 17664528, 16941474 ). ClinVar contains an entry for this variant (Variation ID: 1070505). Based on the evidence outlined above, the variant was classified as likely pathogenic.

GeneDx
Classification: Likely pathogenic. Last evaluated: 2024-05-29. Review status: criteria provided, single submitter. Criteria: GeneDx Variant Classification Process June 2021. Collection method: clinical testing. Allele origin: germline. Affected: yes.
Comment: Published functional studies found this variant is associated with undetectable enzyme activity (PMID: 17664528); Not observed at significant frequency in large population cohorts (gnomAD); In silico analysis supports that this missense variant has a deleterious effect on protein structure/function; This variant is associated with the following publications: (PMID: 16941474, 24024947, 29396849, 17664528)

Labcorp Genetics (formerly Invitae), Labcorp
Classification: Pathogenic for Mucopolysaccharidosis, MPS-IV-B; GM1 gangliosidosis. Last evaluated: 2023-06-23. Review status: criteria provided, single submitter. Criteria: Invitae Variant Classification Sherloc (09022015). Collection method: clinical testing. Allele origin: germline.
Comment: Experimental studies have shown that this missense change affects GLB1 function (PMID: 17664528). This variant disrupts the p.Thr420 amino acid residue in GLB1. Other variant(s) that disrupt this residue have been observed in individuals with GLB1-related conditions (PMID: 16941474, 17664528), which suggests that this may be a clinically significant amino acid residue. For these reasons, this variant has been classified as Pathogenic. Advanced modeling of protein sequence and biophysical properties (such as structural, functional, and spatial information, amino acid conservation, physicochemical variation, residue mobility, and thermodynamic stability) performed at Invitae indicates that this missense variant is expected to disrupt GLB1 protein function. This sequence change replaces threonine, which is neutral and polar, with proline, which is neutral and non-polar, at codon 420 of the GLB1 protein (p.Thr420Pro). This variant is present in population databases (rs200181401, gnomAD 0.003%). This missense change has been observed in individual(s) with GM1-gangliosidosis (PMID: 16941474). ClinVar contains an entry for this variant (Variation ID: 1070505).

Literature cited by the submitters: PubMed 16941474 (cited by 3 submitters); PubMed 23337983 (cited by Natera, Inc.); PubMed 17664528 (cited by 3 submitters).

NM_000404.4(GLB1):c.1258A>C (p.Thr420Pro)

Gene: GLB1 (galactosidase beta 1; minus strand). Cytogenetic location: 3p22.3.
Variant type: single nucleotide variant.
Coding change: c.1258A>C on transcript NM_000404.4 (MANE Select); coding-DNA position 1258, A replaced by C.
Protein change: p.Thr420Pro; replaces threonine 420 with proline.
Molecular consequence: missense variant.
Genome position (GRCh38, 1-based): chr3:33,018,537, T>G on the plus strand (A>C on the coding strand, the complement: GLB1 is on the minus strand). VCF-style: chr3-33018537-T-G. GRCh37 (hg19) VCF-style: chr3-33060029-T-G.
Other names: c.1258A>C (NM_000404.3, NM_000404.2); c.1168A>C, p.Thr390Pro (NM_001079811.3); c.865A>C, p.Thr289Pro (NM_001135602.3); c.1402A>C, p.Thr468Pro (NM_001317040.2); short protein forms T289P, T390P, T420P, T468P.
Identifiers: ClinVar variation 1070505 (VCV001070505.8), dbSNP rs200181401, ClinGen allele CA2299441.